The following is an entry in ClinVar:

ClinVar aggregate classification (germline): Likely pathogenic (1 of 4 stars; one submission).

Conditions:
Cardiofaciocutaneous syndrome 3 (CFC3). Also called: MAP2K1-Related Cardiofaciocutaneous Syndrome. Identifiers: Orphanet 1340, MedGen C3809006, MONDO:0014113, OMIM 615279.

Submission:

Institute of Human Genetics, University of Leipzig Medical Center
Classification: Likely pathogenic for Cardiofaciocutaneous syndrome 3. Last evaluated: 2022-07-15. Review status: criteria provided, single submitter. Criteria: ACMG Guidelines, 2015. Collection method: clinical testing. Allele origin: unknown. Affected: yes.
Comment: _x000D_ Criteria applied: PM5_STR, PM1, PM2_SUP, PP3

NM_002755.4(MAP2K1):c.370C>G (p.Pro124Ala)

Gene: MAP2K1 (mitogen-activated protein kinase kinase 1; plus strand). Cytogenetic location: 15q22.31.
Variant type: single nucleotide variant.
Coding change: c.370C>G on transcript NM_002755.4 (MANE Select); coding-DNA position 370, C replaced by G.
Protein change: p.Pro124Ala; replaces proline 124 with alanine.
Molecular consequence: missense variant.
Genome position (GRCh38, 1-based): chr15:66,436,824, C>G. VCF-style: chr15-66436824-C-G. GRCh37 (hg19) VCF-style: chr15-66729162-C-G.
Other names: short protein forms P124A.
Identifiers: ClinVar variation 1697313 (VCV001697313.1), dbSNP rs1057519732, ClinGen allele CA392930702.